The following is an entry in ClinVar:

NM_000383.4(AIRE):c.995+109A>G

Gene: AIRE (autoimmune regulator; plus strand). Cytogenetic location: 21q22.3.
Variant type: single nucleotide variant.
Coding change: c.995+109A>G on transcript NM_000383.4 (MANE Select); 109 bases into the intron after coding-DNA position 995, A replaced by G.
Molecular consequence: intron variant.
Genome position (GRCh38, 1-based): chr21:44,291,319, A>G. VCF-style: chr21-44291319-A-G. GRCh37 (hg19) VCF-style: chr21-45711202-A-G.
Identifiers: ClinVar variation 1184788 (VCV001184788.6), dbSNP rs1078480, ClinGen allele CA14912882.
Genomic context (GRCh38, chr21:44,291,319, plus strand): 5'-CGCCTCCACCCACTGACCCTGAAGGGAAGCCACCCCAAGCCTCTCCCATCCAAGATGGAA[A>G]GGGGTTCTGAGTCAGGTCACTGGGCCGTGGGGCCGGGGCCTGGGGTTTTCCCACCCTGCC-3'

ClinVar aggregate classification (germline): Benign. Review status: criteria provided, multiple submitters, no conflicts (2 of 4 stars). 3 submissions from 3 submitters: Benign (3). Last evaluated 2024-01-24.

Conditions:
Polyglandular autoimmune syndrome, type 1 (APS1). Also called: Autoimmune polyendocrine syndrome type 1; AUTOIMMUNE POLYENDOCRINE SYNDROME, TYPE I, WITH OR WITHOUT REVERSIBLE METAPHYSEAL DYSPLASIA; Autoimmune polyendocrinopathy syndrome, type I; APS I; Autoimmune polyendocrinopathy syndrome , type I, with or without reversible metaphyseal dysplasia; HYPOADRENOCORTICISM WITH HYPOPARATHYROIDISM AND SUPERFICIAL MONILIASIS. Identifiers: Orphanet 3453, MedGen C0085859, MONDO:0009411, OMIM 240300.

Allele frequency attached by ClinVar (database versions not stated): gnomAD exomes 0.40320; gnomAD 0.49292 and 0.49492; TOPMed 0.50387; 1000 Genomes Project 0.54193; 1000 Genomes Project 30x 0.54403.
gnomAD v4.1: 615,324 of 1,488,640 alleles (41%); highest among the groups gnomAD compares: African/African-American, 72%; 132,415 homozygotes.

Submissions (3):

Unidad de Genómica Garrahan, Hospital de Pediatría Garrahan
Classification: Benign. Last evaluated: 2024-01-24. Review status: criteria provided, single submitter. Criteria: ACMG Guidelines, 2015. Collection method: clinical testing. Allele origin: germline. Affected: no. Observed: 61 variant alleles.
Comment: This variant is classified as Benign based on local population frequency. This variant was detected in 69% of patients studied by a panel of primary immunodeficiencies. Number of patients: 61. Only high quality variants are reported.

Genome-Nilou Lab
Classification: Benign for Polyglandular autoimmune syndrome, type 1. Last evaluated: 2021-07-10. Review status: criteria provided, single submitter. Criteria: ACMG Guidelines, 2015. Collection method: clinical testing. Allele origin: germline. Affected: no.

GeneDx
Classification: Benign. Last evaluated: 2015-03-03. Review status: criteria provided, single submitter. Criteria: GeneDx Variant Classification Process June 2021. Collection method: clinical testing. Allele origin: germline. Affected: yes.